The following is an entry in ClinVar:

ClinVar aggregate classification (germline): Likely benign. Review status: criteria provided, multiple submitters, no conflicts (2 of 4 stars). 3 submissions from 3 submitters: Likely benign (3). Last evaluated 2025-06-01.

gnomAD v4.1: 577 of 1,612,588 alleles (0.036%); highest among the groups gnomAD compares: Non-Finnish European, 0.046%; no homozygotes.

Submissions (3):

CeGaT Center for Human Genetics Tuebingen
Classification: Likely benign. Last evaluated: 2025-06-01. Review status: criteria provided, single submitter. Criteria: CeGaT Center For Human Genetics Tuebingen Variant Classification Criteria Version 2. Collection method: clinical testing. Allele origin: germline. Affected: yes. Observed: 2 variant alleles.
Comment: WDR81: BP4, BP7

Mayo Clinic Laboratories, Mayo Clinic
Classification: Likely benign. Last evaluated: 2025-05-22. Review status: criteria provided, single submitter. Criteria: ACMG Guidelines, 2015. Collection method: clinical testing. Allele origin: germline. Observed: 1 variant allele.
Comment: BP4, BP7

Blueprint Genetics
Classification: Likely benign. Last evaluated: 2024-09-23. Review status: criteria provided, single submitter. Criteria: ACMG Guidelines, 2015. Collection method: clinical testing. Allele origin: germline.

NM_001163809.2(WDR81):c.5556C>G (p.Thr1852=)

Gene: WDR81 (WD repeat domain 81; plus strand). Cytogenetic location: 17p13.3.
Variant type: single nucleotide variant.
Coding change: c.5556C>G on transcript NM_001163809.2 (MANE Select); coding-DNA position 5556, C replaced by G.
Protein change: p.Thr1852=; no amino-acid change (threonine 1852 retained).
Molecular consequence: synonymous variant.
Genome position (GRCh38, 1-based): chr17:1,737,415, C>G. VCF-style: chr17-1737415-C-G. GRCh37 (hg19) VCF-style: chr17-1640709-C-G.
Other names: p.Thr1852=; c.1947C>G, p.Thr649= (NM_001163673.2); c.1875C>G, p.Thr625= (NM_001163811.2); c.2403C>G, p.Thr801= (NM_152348.4); c.5556C>G (NM_001163809.1).
Identifiers: ClinVar variation 3239118 (VCV003239118.21), dbSNP rs1045794.